The following is an entry in ClinVar:

ClinVar aggregate classification (germline): Uncertain significance (1 of 4 stars; one submission).

Conditions:
Hereditary cancer-predisposing syndrome. Also called: Hereditary Cancer Syndrome; Hereditary neoplastic syndrome; Neoplastic Syndromes, Hereditary; Tumor predisposition. Identifiers: Orphanet 140162, MedGen C0027672, MeSH D009386, MONDO:0015356.

Submission:

Ambry Genetics
Classification: Uncertain significance for Hereditary cancer-predisposing syndrome. Last evaluated: 2018-08-24. Review status: criteria provided, single submitter. Criteria: Ambry Variant Classification Scheme 2023. Collection method: clinical testing. Allele origin: germline.
Comment: The p.K149R variant (also known as c.446A>G), located in coding exon 2 of the MSH6 gene, results from an A to G substitution at nucleotide position 446. The lysine at codon 149 is replaced by arginine, an amino acid with highly similar properties. This amino acid position is not well conserved in available vertebrate species, and arginine is the reference amino acid in other vertebrate species. In addition, this alteration is predicted to be tolerated by in silico analysis. In addition, the CoDP in silico tool predicts this alteration to have a minor impact on molecular function, with a score of 0.000 (Terui H et al. J. Biomed. Sci. 2013 Apr;20:25). Since supporting evidence is limited at this time, the clinical significance of this alteration remains unclear.

NM_000179.3(MSH6):c.446A>G (p.Lys149Arg)

Gene: MSH6 (mutS homolog 6; plus strand). Cytogenetic location: 2p16.3.
Variant type: single nucleotide variant.
Coding change: c.446A>G on transcript NM_000179.3 (MANE Select); coding-DNA position 446, A replaced by G.
Protein change: p.Lys149Arg; replaces lysine 149 with arginine.
Molecular consequence: missense variant. On other transcripts: 5 prime UTR variant (2), intron variant (1).
Genome position (GRCh38, 1-based): chr2:47,791,112, A>G. VCF-style: chr2-47791112-A-G. GRCh37 (hg19) VCF-style: chr2-48018251-A-G.
Other names: c.-291A>G (NM_001281493.2, NM_001406811.1, NM_001406823.1 and 1 more transcripts); c.-457A>G (NM_001281494.2); c.542A>G, p.Lys181Arg (NM_001406795.1, NM_001406802.1); c.446A>G, p.Lys149Arg (NM_001406796.1, NM_001406798.1, NM_001406800.1 and 6 more transcripts); c.149A>G, p.Lys50Arg (NM_001406797.1, NM_001406801.1, NM_001406805.1 and 10 more transcripts); c.368A>G, p.Lys123Arg (NM_001406804.1); c.-483A>G (NM_001406807.1); c.-549A>G (NM_001406814.1); and 2 more; short protein forms K123R, K93R, K149R, K50R, K181R.
Identifiers: ClinVar variation 1740810 (VCV001740810.2), dbSNP rs2104112026, ClinGen allele CA346737191.